The following is an entry in ClinVar:

ClinVar aggregate classification (germline): Uncertain significance. Review status: reviewed by expert panel (3 of 4 stars). 9 submissions from 9 submitters: Uncertain significance (1). 8 of the submissions do not count toward it. Last evaluated 2023-04-05.

Conditions:
PALB2-related cancer predisposition. Identifiers: MedGen CN377761, MONDO:0700272.
Breast-ovarian cancer, familial, susceptibility to, 5 (BROVCA5). Identifiers: MedGen C5830615, MONDO:0957530, OMIM 620442.
Hereditary cancer-predisposing syndrome. Also called: Neoplastic Syndromes, Hereditary; Hereditary Cancer Syndrome; Hereditary neoplastic syndrome; Tumor predisposition. Identifiers: Orphanet 140162, MedGen C0027672, MeSH D009386, MONDO:0015356.
Familial cancer of breast. Also called: hereditary breast carcinoma; BREAST CANCER, FAMILIAL; Hereditary breast cancer. Identifiers: Orphanet 227535, MedGen C0346153, MONDO:0016419, OMIM 114480. Disease mechanism: loss of function.
Fanconi anemia complementation group N. Also called: PALB2-Related Fanconi Anemia. Identifiers: Orphanet 84, MedGen C1835817, MONDO:0012565, OMIM 610832. Disease mechanism: loss of function.

Allele frequency attached by ClinVar (database versions not stated): gnomAD exomes below 0.00001 and 0.00001; ExAC 0.00001.

Submissions (9):

ClinGen Hereditary Breast, Ovarian and Pancreatic Cancer Variant Curation Expert Panel, ClinGen
Classification: Uncertain significance for PALB2-related cancer predisposition. Last evaluated: 2023-04-05. Review status: reviewed by expert panel. Criteria: ClinGen HBOP VCEP ACMG Specifications PALB2 V1.0.0. Collection method: curation. Allele origin: germline. Inheritance: Autosomal dominant inheritance.
Comment: The c.3049G>A (p.Ala1017Thr) variant in PALB2 is a missense variant predicted to cause a substitution of alanine by threonine at amino acid 1017 (p.Ala1017Thr). This variant has a minor allele frequency in gnomAD v2.1.1 of 0.00003 in the South Asian population (PM2_Supporting, BS1, and BA1 are not met). This variant is functional in a protein assay (PMID: 31586400); however due to a lack of positive missense controls with known clinical impact, these protein assays do not meet the requirements for use by the HBOP VCEP. PALB2, in which the variant was identified, is defined by the HBOP VCEP as a gene for which primarily truncating variants are known to cause disease. In summary, this variant meets the criteria to be classified as a variant of uncertain significance for autosomal dominant hereditary breast and pancreatic cancer and autosomal recessive FANCN based on the ACMG/AMP criteria applied as specified by the HBOP VCEP (BP1)

Labcorp Genetics (formerly Invitae), Labcorp
Classification: Uncertain significance for Familial cancer of breast. Last evaluated: 2025-05-13. Review status: criteria provided, single submitter. Criteria: Invitae Variant Classification Sherloc (09022015). Collection method: clinical testing. Allele origin: germline. Not counted in ClinVar's aggregate classification.
Comment: This sequence change replaces alanine, which is neutral and non-polar, with threonine, which is neutral and polar, at codon 1017 of the PALB2 protein (p.Ala1017Thr). This variant is present in population databases (rs759795184, gnomAD 0.003%). This missense change has been observed in individual(s) with breast cancer (PMID: 23977390). ClinVar contains an entry for this variant (Variation ID: 830187). Invitae Evidence Modeling of protein sequence and biophysical properties (such as structural, functional, and spatial information, amino acid conservation, physicochemical variation, residue mobility, and thermodynamic stability) indicates that this missense variant is expected to disrupt PALB2 protein function with a positive predictive value of 80%. Experimental studies are conflicting or provide insufficient evidence to determine the effect of this variant on PALB2 function (PMID: 31586400). In summary, the available evidence is currently insufficient to determine the role of this variant in disease. Therefore, it has been classified as a Variant of Uncertain Significance.

Baylor Genetics
Classification: Uncertain significance for Familial cancer of breast. Last evaluated: 2023-12-11. Review status: criteria provided, single submitter. Criteria: ACMG Guidelines, 2015. Collection method: clinical testing. Allele origin: unknown. Not counted in ClinVar's aggregate classification.

Color Diagnostics, LLC DBA Color Health
Classification: Uncertain significance for Hereditary cancer-predisposing syndrome. Last evaluated: 2023-11-21. Review status: criteria provided, single submitter. Criteria: ACMG Guidelines, 2015. Collection method: clinical testing. Allele origin: germline. Not counted in ClinVar's aggregate classification.
Comment: This missense variant replaces alanine with threonine at codon 1017 of the PALB2 protein. Computational prediction suggests that this variant may not impact protein structure and function. A functional study has reported that this variant does not impact PALB2 binding to BRCA2 in a mammalian two-hybrid assay (PMID: 31586400). This variant has been reported in an individual affected with breast cancer (PMID: 23977390). This variant has been identified in 1/251448 chromosomes in the general population by the Genome Aggregation Database (gnomAD). The available evidence is insufficient to determine the role of this variant in disease conclusively. Therefore, this variant is classified as a Variant of Uncertain Significance.

Quest Diagnostics Nichols Institute San Juan Capistrano
Classification: Uncertain significance. Last evaluated: 2023-10-31. Review status: criteria provided, single submitter. Criteria: Quest Diagnostics criteria. Collection method: clinical testing. Allele origin: unknown. Not counted in ClinVar's aggregate classification.
Comment: The PALB2 c.3049G>A (p.Ala1017Thr) variant has been reported in the published literature in an individual with breast cancer (PMID: 23977390 (2013)). Functional studies showed inconclusive results regarding the variant's impact on protein function (PMID: 31586400 (2019)). The frequency of this variant in the general population, 0.000004 (1/251448 chromosomes (Genome Aggregation Database)), is uninformative in the assessment of its pathogenicity. Analysis of this variant using bioinformatics tools for the prediction of the effect of amino acid changes on protein structure and function yielded predictions that this variant is damaging. Based on the available information, we are unable to determine the clinical significance of this variant.

Ambry Genetics
Classification: Uncertain significance for Hereditary cancer-predisposing syndrome. Last evaluated: 2023-08-24. Review status: criteria provided, single submitter. Criteria: Ambry Variant Classification Scheme 2023. Collection method: clinical testing. Allele origin: germline. Not counted in ClinVar's aggregate classification.
Comment: The p.A1017T variant (also known as c.3049G>A), located in coding exon 10 of the PALB2 gene, results from a G to A substitution at nucleotide position 3049. The alanine at codon 1017 is replaced by threonine, an amino acid with similar properties. In a PARP inhibitor sensitivity assay, this alteration was found to have normal activity. In a BRCA2 binding assay, this alteration was found to have normal activity (Rodrigue A et al. Nucleic Acids Res., 2019 11;47:10662-10677). This amino acid position is highly conserved in available vertebrate species. In addition, this alteration is predicted to be tolerated by in silico analysis. Since supporting evidence is limited at this time, the clinical significance of this alteration remains unclear.

Department of Pathology and Laboratory Medicine, Sinai Health System
Classification: Uncertain significance for Breast-ovarian cancer, familial, susceptibility to, 5. Last evaluated: 2023-04-17. Review status: criteria provided, single submitter. Criteria: ACMG Guidelines, 2015. Collection method: clinical testing. Allele origin: germline. Affected: yes. Not counted in ClinVar's aggregate classification.

Neuberg Centre For Genomic Medicine, NCGM
Classification: Uncertain significance for Fanconi anemia complementation group N. Review status: criteria provided, single submitter. Criteria: ACMG Guidelines, 2015. Collection method: clinical testing. Allele origin: germline. Inheritance: Autosomal recessive inheritance. Affected: yes. Not counted in ClinVar's aggregate classification.
Comment: The missense variant c.3049G>A (p.Ala1017Thr) in PALB2 gene has not been reported previously as a pathogenic variant nor as a benign variant, to our knowledge. This variant has been reported to the ClinVar database as Uncertain Significance. The p.Ala1017Thr variant is novel (not in any individuals) in 1000 Genomes and allele frequency of 0.0003977% is reported in gnomAD . The amino acid Ala at position 1017 is changed to a Thr changing protein sequence and it might alter its composition and physico-chemical properties. The amino acid change p.Ala1017Thr in PALB2 is predicted as conserved by GERP++ and PhyloP across 100 vertebrates. For these reasons, this variant has been classified as Uncertain Significance.

Leiden Open Variation Database
Classification: Likely benign for Familial cancer of breast. Last evaluated: 2019-05-13. Review status: no assertion criteria provided. Collection method: curation. Allele origin: germline. Affected: yes. Not counted in ClinVar's aggregate classification.
Comment: Curators: Marc Tischkowitz, Arleen D. Auerbach. Submitter to LOVD: Marc Tischkowitz.

Literature cited by the submitters: PubMed 23977390 (cited by 6 submitters); PubMed 31586400 (cited by 5 submitters).

NM_024675.4(PALB2):c.3049G>A (p.Ala1017Thr)

Gene: PALB2 (partner and localizer of BRCA2; minus strand). Cytogenetic location: 16p12.2.
Variant type: single nucleotide variant.
Coding change: c.3049G>A on transcript NM_024675.4 (MANE Select); coding-DNA position 3049, G replaced by A.
Protein change: p.Ala1017Thr; replaces alanine 1017 with threonine.
Molecular consequence: missense variant.
Genome position (GRCh38, 1-based): chr16:23,621,426, C>T on the plus strand (G>A on the coding strand, the complement: PALB2 is on the minus strand). VCF-style: chr16-23621426-C-T. GRCh37 (hg19) VCF-style: chr16-23632747-C-T.
Other names: NM_024675.4(PALB2):c.3049G>A; p.Ala1017Thr; short protein forms A1017T.
Identifiers: ClinVar variation 830187 (VCV000830187.19), dbSNP rs759795184, ClinGen allele CA7963442.